The following is an entry in ClinVar:

ClinVar aggregate classification (germline): Likely benign (1 of 4 stars; one submission).

Allele frequency attached by ClinVar (database versions not stated): gnomAD exomes below 0.00001.
gnomAD v4.1: 2 of 1,545,350 alleles (0.00013%); highest among the groups gnomAD compares: Middle Eastern, 0.017%; no homozygotes.

Submission:

CeGaT Center for Human Genetics Tuebingen
Classification: Likely benign. Last evaluated: 2022-06-01. Review status: criteria provided, single submitter. Criteria: CeGaT Center For Human Genetics Tuebingen Variant Classification Criteria Version 2. Collection method: clinical testing. Allele origin: germline. Affected: yes. Observed: 1 variant allele.
Comment: MYO18B: PM2:Supporting, BP4, BP7

NM_032608.7(MYO18B):c.630C>T (p.Ala210=)

Gene: MYO18B (myosin XVIIIB; plus strand). Cytogenetic location: 22q12.1.
Variant type: single nucleotide variant.
Coding change: c.630C>T on transcript NM_032608.7 (MANE Select); coding-DNA position 630, C replaced by T.
Protein change: p.Ala210=; no amino-acid change (alanine 210 retained).
Molecular consequence: synonymous variant.
Genome position (GRCh38, 1-based): chr22:25,768,546, C>T. VCF-style: chr22-25768546-C-T. GRCh37 (hg19) VCF-style: chr22-26164513-C-T.
Other names: c.630C>T, p.Ala210= (NM_001318245.2).
Identifiers: ClinVar variation 2653005 (VCV002653005.24), dbSNP rs2517654429, ClinGen allele CA514161957.